The following is an entry in ClinVar:

NM_003242.6(TGFBR2):c.-193G>A

Genes: TGFBR2 (transforming growth factor beta receptor 2; plus strand), LOC129936399 (ATAC-STARR-seq lymphoblastoid silent region 14158; plus strand). Cytogenetic location: 3p24.1.
Variant type: single nucleotide variant.
Coding change: c.-193G>A on transcript NM_003242.6 (MANE Select); 193 bases upstream of the start codon, G replaced by A.
Molecular consequence: 5 prime UTR variant.
Genome position (GRCh38, 1-based): chr3:30,606,691, G>A. VCF-style: chr3-30606691-G-A. GRCh37 (hg19) VCF-style: chr3-30648183-G-A.
Other names: c.-193G>A (NM_001024847.3, NM_001407126.1, NM_001407127.1 and 4 more transcripts); c.-476G>A (NM_001407133.1); c.-354G>A (NM_001407134.1); c.-401G>A (NM_001407135.1); c.-486G>A (NM_001407136.1).
Identifiers: ClinVar variation 344652 (VCV000344652.9), dbSNP rs886058301, ClinGen allele CA10615556.

ClinVar aggregate classification (germline): Uncertain significance/Uncertain risk allele. Review status: criteria provided, multiple submitters, no conflicts (2 of 4 stars). 3 submissions from 3 submitters: Uncertain significance (2); Uncertain risk allele (1). Last evaluated 2021-08-23.

Conditions:
Colorectal cancer, hereditary nonpolyposis, type 6. Also called: Colon cancer, hereditary nonpolyposis, type 6; Colon cancer, hereditary nonpolyposis, type 6, somatic. Identifiers: Orphanet 144, MedGen C1860896, MONDO:0013695, OMIM 614331.
Malignant tumor of esophagus. Also called: Esophageal cancer; Esophageal cancer, somatic. Identifiers: Orphanet 99977, MedGen C0546837, MONDO:0007576, OMIM 133239.
Loeys-Dietz syndrome 2 (LDS2). Also called: TGFBR2-Related Loeys-Dietz Syndrome; AORTIC ANEURYSM, FAMILIAL THORACIC 3; MARFAN SYNDROME, TYPE II; Marfan Syndrome type 2; Marfan like connective tissue disorder; MFS 2. Identifiers: Orphanet 284973, Orphanet 558, MedGen C2674574, MONDO:0012427, OMIM 610168.
Diabetic retinopathy. Identifiers: MedGen C0011884, MONDO:0005266.

Allele frequency attached by ClinVar (database versions not stated): TOPMed 0.00027; gnomAD 0.00032 and 0.00034; 1000 Genomes Project 30x 0.00047.
gnomAD v4.1: 64 of 389,722 alleles (0.016%); highest among the groups gnomAD compares: African/African-American, 0.11%; no homozygotes.

Submissions (3):

Fulgent Genetics
Classification: Uncertain significance for Malignant tumor of esophagus; Loeys-Dietz syndrome 2; Colorectal cancer, hereditary nonpolyposis, type 6. Last evaluated: 2021-08-23. Review status: criteria provided, single submitter. Criteria: ACMG Guidelines, 2015. Collection method: clinical testing. Allele origin: unknown.

Illumina Laboratory Services, Illumina
Classification: Uncertain significance for Loeys-Dietz syndrome 2. Last evaluated: 2018-01-13. Review status: criteria provided, single submitter. Criteria: ICSL Variant Classification Criteria 13 December 2019. Collection method: clinical testing. Allele origin: germline.

Clinical Genomics, Uppaluri K&H Personalized Medicine Clinic
Classification: Uncertain risk allele for Diabetic retinopathy. Review status: criteria provided, single submitter. Criteria: K And H Uppaluri Personalized Medicine Clinic Variant Classification And Assertion Criteria Updated V 2. Collection method: research. Allele origin: unknown.
Comment: Potent mutations in TGFBR2 gene encodes the transforming growth factor that have been associated with angiogenesis and diabetic retinopathy. More clinical studies are needed for stronger association. However, more evidence is required to confer the association of this particular variant rs886058301 with diabetic retinopathy.

Literature cited by the submitters: PubMed 30222965 (cited by Clinical Genomics, Uppaluri K&H Personalized Medicine Clinic); PubMed 28162229 (cited by Clinical Genomics, Uppaluri K&H Personalized Medicine Clinic); PubMed 34572573 (cited by Clinical Genomics, Uppaluri K&H Personalized Medicine Clinic).